The following is an entry in ClinVar:

NM_002181.4(IHH):c.724G>A (p.Asp242Asn)

Gene: IHH (Indian hedgehog signaling molecule; minus strand). Cytogenetic location: 2q35.
Variant type: single nucleotide variant.
Coding change: c.724G>A on transcript NM_002181.4 (MANE Select); coding-DNA position 724, G replaced by A.
Protein change: p.Asp242Asn; replaces aspartic acid 242 with asparagine.
Molecular consequence: missense variant.
Genome position (GRCh38, 1-based): chr2:219,055,719, C>T on the plus strand (G>A on the coding strand, the complement: IHH is on the minus strand). VCF-style: chr2-219055719-C-T. GRCh37 (hg19) VCF-style: chr2-219920441-C-T.
Other names: c.724G>A (NM_002181.3); short protein forms D242N.
Identifiers: ClinVar variation 1450958 (VCV001450958.9), dbSNP rs771174829, ClinGen allele CA2116623.

ClinVar aggregate classification (germline): Uncertain significance. Review status: criteria provided, multiple submitters, no conflicts (2 of 4 stars). 2 submissions from 2 submitters: Uncertain significance (2). Last evaluated 2022-12-18.

Conditions:
Inborn genetic diseases. Identifiers: MedGen C0950123, MeSH D030342.

Allele frequency attached by ClinVar (database versions not stated): ExAC 0.00001; gnomAD exomes 0.00001 and 0.00002; TOPMed 0.00003; gnomAD 0.00005 and 0.00006.

Submissions (2):

Labcorp Genetics (formerly Invitae), Labcorp
Classification: Uncertain significance. Last evaluated: 2022-12-18. Review status: criteria provided, single submitter. Criteria: Invitae Variant Classification Sherloc (09022015). Collection method: clinical testing. Allele origin: germline.
Comment: In summary, the available evidence is currently insufficient to determine the role of this variant in disease. Therefore, it has been classified as a Variant of Uncertain Significance. Algorithms developed to predict the effect of missense changes on protein structure and function (SIFT, PolyPhen-2, Align-GVGD) all suggest that this variant is likely to be tolerated. ClinVar contains an entry for this variant (Variation ID: 1450958). This variant has not been reported in the literature in individuals affected with IHH-related conditions. This variant is present in population databases (rs771174829, gnomAD 0.006%). This sequence change replaces aspartic acid, which is acidic and polar, with asparagine, which is neutral and polar, at codon 242 of the IHH protein (p.Asp242Asn).

Ambry Genetics
Classification: Uncertain significance for Inborn genetic diseases. Last evaluated: 2022-10-12. Review status: criteria provided, single submitter. Criteria: Ambry Variant Classification Scheme 2023. Collection method: clinical testing. Allele origin: germline.